The following is an entry in ClinVar:

NM_001164508.2(NEB):c.2053A>G (p.Met685Val)

Gene: NEB (nebulin; minus strand). Cytogenetic location: 2q23.3.
Variant type: single nucleotide variant.
Coding change: c.2053A>G on transcript NM_001164508.2 (MANE Select); coding-DNA position 2053, A replaced by G.
Protein change: p.Met685Val; replaces methionine 685 with valine.
Molecular consequence: missense variant.
Genome position (GRCh38, 1-based): chr2:151,692,112, T>C on the plus strand (A>G on the coding strand, the complement: NEB is on the minus strand). VCF-style: chr2-151692112-T-C. GRCh37 (hg19) VCF-style: chr2-152548626-T-C.
Other names: c.2053A>G, p.Met685Val (NM_001271208.2, NM_004543.5, NM_001164507.2); short protein forms M685V.
Identifiers: ClinVar variation 510528 (VCV000510528.4), dbSNP rs370986655, ClinGen allele CA1911349.

ClinVar aggregate classification (germline): Likely benign. Review status: criteria provided, multiple submitters, no conflicts (2 of 4 stars). 2 submissions from 2 submitters: Likely benign (2). Last evaluated 2023-05-12.

Conditions:
Nemaline myopathy 2 (NEM2). Also called: Nemaline myopathy 2, autosomal recessive. Identifiers: MedGen C1850569, MONDO:0009725, OMIM 256030.

Allele frequency attached by ClinVar (database versions not stated): ESP Exome Variant Server 0.00008; gnomAD exomes below 0.00001 and 0.00001; TOPMed below 0.00001; gnomAD 0.00001; ExAC 0.00002.
gnomAD v4.1: 3 of 1,613,922 alleles (0.00019%); highest among the groups gnomAD compares: African/African-American, 0.0027%; no homozygotes.

Submissions (2):

Labcorp Genetics (formerly Invitae), Labcorp
Classification: Likely benign for Nemaline myopathy 2. Last evaluated: 2023-05-12. Review status: criteria provided, single submitter. Criteria: Invitae Variant Classification Sherloc (09022015). Collection method: clinical testing. Allele origin: germline.

GeneDx
Classification: Likely benign. Last evaluated: 2017-07-05. Review status: criteria provided, single submitter. Criteria: GeneDx Variant Classification (06012015). Collection method: clinical testing. Allele origin: germline. Affected: yes.
Comment: This variant is considered likely benign or benign based on one or more of the following criteria: it is a conservative change, it occurs at a poorly conserved position in the protein, it is predicted to be benign by multiple in silico algorithms, and/or has population frequency not consistent with disease.